The following is an entry in ClinVar:

ClinVar aggregate classification (germline): Pathogenic (0 of 4 stars; one submission).

Conditions:
Pyruvate dehydrogenase E1-alpha deficiency (PDHAD). Also called: ATAXIA, INTERMITTENT, WITH PYRUVATE DEHYDROGENASE DEFICIENCY; ATAXIA WITH LACTIC ACIDOSIS I; ATAXIA, INTERMITTENT, WITH ABNORMAL PYRUVATE METABOLISM; Ataxia, intermittent, with pyruvate dehydrogenase, or decarboxylase, deficiency. Identifiers: Orphanet 79243, MedGen C1839413, MONDO:0010717, OMIM 312170.

Submission:

PDHA1 Study Group, University Children’s Hospital, Paracelsus Medical University
Classification: Pathogenic for Pyruvate dehydrogenase E1-alpha deficiency. Last evaluated: 2024-10-15. Review status: no assertion criteria provided. Collection method: research. Allele origin: de novo. Affected: yes. Observed: 1 variant allele.
Comment: The NM_000284.3:c.329C>A (p.Pro110His) substitution is a missense variant in PDHA1 gene. Among them, 1 case had confirmed de novo occurrence. Last literature search: July 12, 2024. This variant is absent or extremely rare in population-based cohorts in the Genome Aggregation Database (gnomAD). Individuals harboring this variant presented with clinical features compatible with PDHA1-related PDHc deficiency. In summary, this variant meets criteria to be classified as pathogenic (P) for PDHA1-related PDHc deficiency based on the ACMG/AMP criteria applied: PS2, PM1, PM2, PM7 (last assessment October 15, 2024).

Literature cited by the submitters: DOI 10.1093/brain/awaf430.

NM_000284.4(PDHA1):c.329C>A (p.Pro110His)

Gene: PDHA1 (pyruvate dehydrogenase E1 subunit alpha 1; plus strand). Cytogenetic location: Xp22.12.
Variant type: single nucleotide variant.
Coding change: c.329C>A on transcript NM_000284.4 (MANE Select); coding-DNA position 329, C replaced by A.
Protein change: p.Pro110His; replaces proline 110 with histidine.
Molecular consequence: missense variant.
Genome position (GRCh38, 1-based): chrX:19,351,318, C>A. VCF-style: chrX-19351318-C-A. GRCh37 (hg19) VCF-style: chrX-19369436-C-A.
Other names: c.443C>A, p.Pro148His (NM_001173454.2); c.350C>A, p.Pro117His (NM_001173455.2); c.329C>A, p.Pro110His (NM_001173456.2); short protein forms P110H, P117H, P148H.
Identifiers: ClinVar variation 4070308 (VCV004070308.1).
Genomic context (GRCh38, chrX:19,351,318, plus strand): 5'-AGTTTCTCCTTCCTCTAACACAGGAAGCTTGCTGTGTGGGCCTGGAGGCCGGCATCAACC[C>A]CACAGACCATCTCATCACAGCCTACCGGGCTCACGGCTTTACTTTCACCCGGGGCCTTTC-3'
Protein context (NP_000275.1, residues 100-120): CCVGLEAGIN[Pro110His]TDHLITAYRA